The following is an entry in ClinVar:

NM_025081.3(NYNRIN):c.2729T>C (p.Leu910Pro)

Gene: NYNRIN (NYN domain and retroviral integrase containing; plus strand). Cytogenetic location: 14q12.
Variant type: single nucleotide variant.
Coding change: c.2729T>C on transcript NM_025081.3 (MANE Select); coding-DNA position 2729, T replaced by C.
Protein change: p.Leu910Pro; replaces leucine 910 with proline.
Molecular consequence: missense variant.
Genome position (GRCh38, 1-based): chr14:24,413,083, T>C. VCF-style: chr14-24413083-T-C. GRCh37 (hg19) VCF-style: chr14-24882289-T-C.
Other names: c.2729T>C (NM_025081.2); short protein forms L910P.
Identifiers: ClinVar variation 2715093 (VCV002715093.4), dbSNP rs770637725, ClinGen allele CA7137076.

ClinVar aggregate classification (germline): Uncertain significance. Review status: criteria provided, multiple submitters, no conflicts (2 of 4 stars). 2 submissions from 2 submitters: Uncertain significance (2). Last evaluated 2025-02-10.

Allele frequency attached by ClinVar (database versions not stated): ExAC 0.00002; TOPMed 0.00002; gnomAD 0.00004; gnomAD exomes 0.00006.
gnomAD v4.1: 97 of 1,590,914 alleles (0.0061%); highest among the groups gnomAD compares: Admixed American, 0.026%; no homozygotes.

Submissions (2):

Ambry Genetics
Classification: Uncertain significance. Last evaluated: 2025-02-10. Review status: criteria provided, single submitter. Criteria: Ambry Variant Classification Scheme 2023. Collection method: clinical testing. Allele origin: germline.

Labcorp Genetics (formerly Invitae), Labcorp
Classification: Uncertain significance. Last evaluated: 2024-01-24. Review status: criteria provided, single submitter. Criteria: Invitae Variant Classification Sherloc (09022015). Collection method: clinical testing. Allele origin: germline.
Comment: This sequence change replaces leucine, which is neutral and non-polar, with proline, which is neutral and non-polar, at codon 910 of the NYNRIN protein (p.Leu910Pro). This variant is present in population databases (rs770637725, gnomAD 0.03%). This variant has not been reported in the literature in individuals affected with NYNRIN-related conditions. In summary, the available evidence is currently insufficient to determine the role of this variant in disease. Therefore, it has been classified as a Variant of Uncertain Significance.